The following is an entry in ClinVar:

NM_000321.3(RB1):c.358C>G (p.Leu120Val)

Gene: RB1 (RB transcriptional corepressor 1; plus strand). Cytogenetic location: 13q14.2.
Variant type: single nucleotide variant.
Coding change: c.358C>G on transcript NM_000321.3 (MANE Select); coding-DNA position 358, C replaced by G.
Protein change: p.Leu120Val; replaces leucine 120 with valine.
Molecular consequence: missense variant.
Genome position (GRCh38, 1-based): chr13:48,342,692, C>G. VCF-style: chr13-48342692-C-G. GRCh37 (hg19) VCF-style: chr13-48916828-C-G.
Other names: c.358C>G, p.Leu120Val (NM_001407165.1, NM_001407166.1); short protein forms L120V.
Identifiers: ClinVar variation 5027966 (VCV005027966.1).

ClinVar aggregate classification (germline): Uncertain significance (1 of 4 stars; one submission).

Conditions:
Hereditary cancer-predisposing syndrome. Also called: Neoplastic Syndromes, Hereditary; Tumor predisposition; Hereditary neoplastic syndrome; Hereditary Cancer Syndrome. Identifiers: Orphanet 140162, MedGen C0027672, MeSH D009386, MONDO:0015356.

Submission:

Ambry Genetics
Classification: Uncertain significance for Hereditary cancer-predisposing syndrome. Last evaluated: 2026-07-15. Review status: criteria provided, single submitter. Criteria: Ambry Variant Classification Scheme 2023. Collection method: clinical testing. Allele origin: germline.
Comment: The p.L120V variant (also known as c.358C>G), located in coding exon 3 of the RB1 gene, results from a C to G substitution at nucleotide position 358. The leucine at codon 120 is replaced by valine, an amino acid with highly similar properties. This amino acid position is conserved. In addition, the in silico prediction for this alteration is inconclusive. Based on the available evidence, the clinical significance of this variant remains unclear.